The following is an entry in ClinVar:

NM_014727.3(KMT2B):c.2929G>C (p.Asp977His)

Gene: KMT2B (lysine methyltransferase 2B; plus strand). Cytogenetic location: 19q13.12.
Variant type: single nucleotide variant.
Coding change: c.2929G>C on transcript NM_014727.3 (MANE Select); coding-DNA position 2929, G replaced by C.
Protein change: p.Asp977His; replaces aspartic acid 977 with histidine.
Molecular consequence: missense variant.
Genome position (GRCh38, 1-based): chr19:35,723,201, G>C. VCF-style: chr19-35723201-G-C. GRCh37 (hg19) VCF-style: chr19-36214103-G-C.
Other names: short protein forms D977H.
Identifiers: ClinVar variation 2710558 (VCV002710558.3), dbSNP rs2513323490, ClinGen allele CA405402653.

ClinVar aggregate classification (germline): Uncertain significance (1 of 4 stars; one submission).

Submission:

Labcorp Genetics (formerly Invitae), Labcorp
Classification: Uncertain significance. Last evaluated: 2024-01-21. Review status: criteria provided, single submitter. Criteria: Invitae Variant Classification Sherloc (09022015). Collection method: clinical testing. Allele origin: germline.
Comment: This sequence change replaces aspartic acid, which is acidic and polar, with histidine, which is basic and polar, at codon 977 of the KMT2B protein (p.Asp977His). This variant is not present in population databases (gnomAD no frequency). This variant has not been reported in the literature in individuals affected with KMT2B-related conditions. Advanced modeling of protein sequence and biophysical properties (such as structural, functional, and spatial information, amino acid conservation, physicochemical variation, residue mobility, and thermodynamic stability) performed at Invitae indicates that this missense variant is expected to disrupt KMT2B protein function with a positive predictive value of 95%. In summary, the available evidence is currently insufficient to determine the role of this variant in disease. Therefore, it has been classified as a Variant of Uncertain Significance.